The following is an entry in ClinVar:

ClinVar aggregate classification (germline): Likely benign. Review status: criteria provided, multiple submitters, no conflicts (2 of 4 stars). 2 submissions from 2 submitters: Likely benign (2). Last evaluated 2025-07-24.

Conditions:
CNNM4-related disorder. Also called: CNNM4-related condition.

Allele frequency attached by ClinVar (database versions not stated): ExAC 0.00002; gnomAD 0.00006; TOPMed 0.00009; ESP Exome Variant Server 0.00015; 1000 Genomes Project 0.00020; 1000 Genomes Project 30x 0.00031.
gnomAD v4.1: 21 of 1,614,196 alleles (0.0013%); highest among the groups gnomAD compares: African/African-American, 0.023%; no homozygotes.

Submissions (2):

PreventionGenetics, part of Exact Sciences
Classification: Likely benign for CNNM4-related condition. Last evaluated: 2025-07-24. Review status: criteria provided, single submitter. Criteria: ACMG Guidelines, 2015. Collection method: clinical testing. Allele origin: germline.
Comment: This variant is classified as likely benign based on ACMG/AMP sequence variant interpretation guidelines (Richards et al. 2015 PMID: 25741868, with internal and published modifications).

Labcorp Genetics (formerly Invitae), Labcorp
Classification: Likely benign. Last evaluated: 2025-02-10. Review status: criteria provided, single submitter. Criteria: Invitae Variant Classification Sherloc (09022015). Collection method: clinical testing. Allele origin: germline.

NM_020184.4(CNNM4):c.963C>T (p.Ser321=)

Gene: CNNM4 (cyclin and CBS domain divalent metal cation transport mediator 4; plus strand). Cytogenetic location: 2q11.2.
Variant type: single nucleotide variant.
Coding change: c.963C>T on transcript NM_020184.4 (MANE Select); coding-DNA position 963, C replaced by T.
Protein change: p.Ser321=; no amino-acid change (serine 321 retained).
Molecular consequence: synonymous variant.
Genome position (GRCh38, 1-based): chr2:96,761,962, C>T. VCF-style: chr2-96761962-C-T. GRCh37 (hg19) VCF-style: chr2-97427699-C-T.
Other names: c.963C>T (NM_020184.3).
Identifiers: ClinVar variation 1063748 (VCV001063748.10), dbSNP rs139582999, ClinGen allele CA1783277.